The following is an entry in ClinVar:

NM_002691.4(POLD1):c.2955G>T (p.Arg985=)

Gene: POLD1 (DNA polymerase delta 1, catalytic subunit; plus strand). Cytogenetic location: 19q13.33.
Variant type: single nucleotide variant.
Coding change: c.2955G>T on transcript NM_002691.4 (MANE Select); coding-DNA position 2955, G replaced by T.
Protein change: p.Arg985=; no amino-acid change (arginine 985 retained).
Molecular consequence: synonymous variant. On other transcripts: non-coding transcript variant (1).
Genome position (GRCh38, 1-based): chr19:50,416,611, G>T. VCF-style: chr19-50416611-G-T. GRCh37 (hg19) VCF-style: chr19-50919868-G-T.
Other names: c.2955G>T, p.Arg985= (NM_001256849.1); c.3033G>T, p.Arg1011= (NM_001308632.1).
Identifiers: ClinVar variation 239321 (VCV000239321.29), dbSNP rs770495723, ClinGen allele CA9596715.

ClinVar aggregate classification (germline): Benign/Likely benign. Review status: criteria provided, multiple submitters, no conflicts (2 of 4 stars). 8 submissions from 8 submitters: Benign (4); Likely benign (4). Last evaluated 2026-01-31.

Conditions:
POLD1-related polyposis and colorectal cancer syndrome (CRCS10). Also called: Colorectal cancer 10; COLORECTAL CANCER, SUSCEPTIBILITY TO, ON CHROMOSOME 19q; Colorectal cancer, susceptibility to, 10. Identifiers: Orphanet 220460, MedGen C2675481, MONDO:0012953, OMIM 612591.
Hereditary cancer-predisposing syndrome. Also called: Tumor predisposition; Hereditary Cancer Syndrome; Neoplastic Syndromes, Hereditary; Hereditary neoplastic syndrome. Identifiers: Orphanet 140162, MedGen C0027672, MeSH D009386, MONDO:0015356.

Allele frequency attached by ClinVar (database versions not stated): TOPMed 0.00014; gnomAD 0.00019; ExAC 0.00056; gnomAD exomes 0.00064.
gnomAD v4.1: 133 of 1,560,452 alleles (0.0085%); highest among the groups gnomAD compares: Admixed American, 0.25%; 1 homozygote.

Submissions (9):

Labcorp Genetics (formerly Invitae), Labcorp
Classification: Benign for POLD1-related polyposis and colorectal cancer syndrome. Last evaluated: 2026-01-31. Review status: criteria provided, single submitter. Criteria: Invitae Variant Classification Sherloc (09022015). Collection method: clinical testing. Allele origin: germline.

CeGaT Center for Human Genetics Tuebingen
Classification: Likely benign. Last evaluated: 2025-09-01. Review status: criteria provided, single submitter. Criteria: CeGaT Center For Human Genetics Tuebingen Variant Classification Criteria Version 2. Collection method: clinical testing. Allele origin: germline. Affected: yes. Observed: 1 variant allele.
Comment: POLD1: BP4, BP7

ARUP Laboratories, Molecular Genetics and Genomics, ARUP Laboratories
Classification: Benign. Last evaluated: 2023-02-07. Review status: criteria provided, single submitter. Criteria: ARUP Molecular Germline Variant Investigation Process 2024. Collection method: clinical testing. Allele origin: germline.

GeneDx
Classification: Likely benign. Last evaluated: 2020-05-04. Review status: criteria provided, single submitter. Criteria: GeneDx Variant Classification Process June 2021. Collection method: clinical testing. Allele origin: germline. Affected: yes.

Quest Diagnostics Nichols Institute San Juan Capistrano
Classification: Benign. Last evaluated: 2019-10-18. Review status: criteria provided, single submitter. Criteria: Quest Diagnostics criteria. Collection method: clinical testing. Allele origin: unknown.

Women's Health and Genetics/Laboratory Corporation of America, LabCorp
Classification: Benign. Last evaluated: 2019-10-04. Review status: criteria provided, single submitter. Criteria: LabCorp Variant Classification Summary - May 2015. Collection method: clinical testing. Allele origin: germline.
Comment: Variant summary: POLD1 c.2955G>T (p.Arg985Arg) alters a non-conserved nucleotide located close to a canonical splice site and therefore could affect mRNA splicing, leading to a significantly altered protein sequence. 4/4 computational tools predict no significant impact on normal splicing. However, these predictions have yet to be confirmed by functional studies. The variant allele was found at a frequency of 0.00064 in 164594 control chromosomes. The observed variant frequency is approximately 45 fold of the estimated maximal expected allele frequency for a pathogenic variant in POLD1 causing Colorectal Cancer phenotype (1.4e-05), strongly suggesting that the variant is benign. To our knowledge, no occurrence of c.2955G>T in individuals affected with Colorectal Cancer and no experimental evidence demonstrating its impact on protein function have been reported. Four clinical diagnostic laboratories have submitted clinical-significance assessments for this variant to ClinVar after 2014 without evidence for independent evaluation. All laboratories classified the variant as benign (n=1)/likely benign(n=3). Based on the evidence outlined above, the variant was classified as benign.

PreventionGenetics, part of Exact Sciences
Classification: Likely benign. Last evaluated: 2017-12-11. Review status: criteria provided, single submitter. Criteria: ACMG Guidelines, 2015. Collection method: clinical testing. Allele origin: germline.

Ambry Genetics
Classification: Likely benign for Hereditary cancer-predisposing syndrome. Last evaluated: 2015-11-01. Review status: criteria provided, single submitter. Criteria: Ambry Variant Classification Scheme 2023. Collection method: clinical testing. Allele origin: germline.

Dr. Peter K. Rogan Lab, Western University
No classification provided (evidence only). Condition: Cervical cancer. Review status: no classification provided. Collection method: in vitro. Allele origin: not applicable. Functional consequence: retained intron. Not counted in ClinVar's aggregate classification.